The following is an entry in ClinVar:

ClinVar aggregate classification (germline): Uncertain significance (1 of 4 stars; one submission).

Conditions:
GLI3-related disorder. Also called: GLI3-related condition; GLI3-related disorders. Identifiers: MedGen CN239292.

Submission:

PreventionGenetics, part of Exact Sciences
Classification: Uncertain significance for GLI3-related condition. Last evaluated: 2023-02-02. Review status: criteria provided, single submitter. Criteria: ACMG Guidelines, 2015. Collection method: clinical testing. Allele origin: germline.
Comment: The GLI3 c.1894C>T variant is predicted to result in the amino acid substitution p.His632Tyr. To our knowledge, this variant has not been reported in the literature or in a large population database, indicating this variant is rare. At this time, the clinical significance of this variant is uncertain due to the absence of conclusive functional and genetic evidence.

NM_000168.6(GLI3):c.1894C>T (p.His632Tyr)

Gene: GLI3 (GLI family zinc finger 3; minus strand). Cytogenetic location: 7p14.1.
Variant type: single nucleotide variant.
Coding change: c.1894C>T on transcript NM_000168.6 (MANE Select); coding-DNA position 1894, C replaced by T.
Protein change: p.His632Tyr; replaces histidine 632 with tyrosine.
Molecular consequence: missense variant.
Genome position (GRCh38, 1-based): chr7:41,972,546, G>A on the plus strand (C>T on the coding strand, the complement: GLI3 is on the minus strand). VCF-style: chr7-41972546-G-A. GRCh37 (hg19) VCF-style: chr7-42012145-G-A.
Other names: short protein forms H632Y.
Identifiers: ClinVar variation 2630246 (VCV002630246.1), dbSNP rs2484419306, ClinGen allele CA367322560.